The following is an entry in ClinVar:

ClinVar aggregate classification (germline): Uncertain significance (1 of 4 stars; one submission).

Submission:

Labcorp Genetics (formerly Invitae), Labcorp
Classification: Uncertain significance. Last evaluated: 2022-08-22. Review status: criteria provided, single submitter. Criteria: Invitae Variant Classification Sherloc (09022015). Collection method: clinical testing. Allele origin: germline.
Comment: In summary, the available evidence is currently insufficient to determine the role of this variant in disease. Therefore, it has been classified as a Variant of Uncertain Significance. Experimental studies and prediction algorithms are not available or were not evaluated, and the functional significance of this variant is currently unknown. This variant has not been reported in the literature in individuals affected with NR2E3-related conditions. This variant is not present in population databases (gnomAD no frequency). This sequence change replaces phenylalanine, which is neutral and non-polar, with leucine, which is neutral and non-polar, at codon 408 of the NR2E3 protein (p.Phe408Leu).

NM_014249.4(NR2E3):c.1224C>A (p.Phe408Leu)

Gene: NR2E3 (nuclear receptor subfamily 2 group E member 3; plus strand). Cytogenetic location: 15q23.
Variant type: single nucleotide variant.
Coding change: c.1224C>A on transcript NM_014249.4 (MANE Select); coding-DNA position 1224, C replaced by A.
Protein change: p.Phe408Leu; replaces phenylalanine 408 with leucine.
Molecular consequence: missense variant.
Genome position (GRCh38, 1-based): chr15:71,817,675, C>A. VCF-style: chr15-71817675-C-A. GRCh37 (hg19) VCF-style: chr15-72110016-C-A.
Other names: short protein forms F408L.
Identifiers: ClinVar variation 2128356 (VCV002128356.4), dbSNP rs2543261075, ClinGen allele CA393041677.